The following is an entry in ClinVar:

ClinVar aggregate classification (germline): Uncertain significance (1 of 4 stars; one submission).

Conditions:
Dilated cardiomyopathy 1O (CMD1O). Also called: CARDIOMYOPATHY, DILATED, WITH VENTRICULAR TACHYCARDIA. Identifiers: Orphanet 154, MedGen C1837839, MONDO:0012062, OMIM 608569.

Submission:

Labcorp Genetics (formerly Invitae), Labcorp
Classification: Uncertain significance for Dilated cardiomyopathy 1O. Last evaluated: 2022-03-19. Review status: criteria provided, single submitter. Criteria: Invitae Variant Classification Sherloc (09022015). Collection method: clinical testing. Allele origin: germline.
Comment: Algorithms developed to predict the effect of missense changes on protein structure and function (SIFT, PolyPhen-2, Align-GVGD) all suggest that this variant is likely to be tolerated. In summary, the available evidence is currently insufficient to determine the role of this variant in disease. Therefore, it has been classified as a Variant of Uncertain Significance. This variant has not been reported in the literature in individuals affected with ABCC9-related conditions. ClinVar contains an entry for this variant (Variation ID: 1053914). This sequence change replaces threonine, which is neutral and polar, with serine, which is neutral and polar, at codon 1443 of the ABCC9 protein (p.Thr1443Ser). This variant is not present in population databases (gnomAD no frequency).

NM_020297.4(ABCC9):c.4328C>G (p.Thr1443Ser)

Genes: ABCC9 (ATP binding cassette subfamily C member 9; minus strand), KCNJ8-AS1 (KCNJ8 antisense RNA 1; plus strand). Cytogenetic location: 12p12.1.
Variant type: single nucleotide variant.
Coding change: c.4328C>G on transcript NM_020297.4 (MANE Select); coding-DNA position 4328, C replaced by G.
Protein change: p.Thr1443Ser; replaces threonine 1443 with serine.
Molecular consequence: missense variant.
Genome position (GRCh38, 1-based): chr12:21,807,467, G>C on the plus strand (C>G on the coding strand, the complement: ABCC9 is on the minus strand). VCF-style: chr12-21807467-G-C. GRCh37 (hg19) VCF-style: chr12-21960401-G-C.
Other names: c.4328C>G, p.Thr1443Ser (NM_001377273.1, NM_005691.4); c.3461C>G, p.Thr1154Ser (NM_001377274.1); short protein forms T1154S, T1443S.
Identifiers: ClinVar variation 1053914 (VCV001053914.9), dbSNP rs2137118450, ClinGen allele CA384132151.